The following is an entry in ClinVar:

NM_007294.4(BRCA1):c.1612_1616del (p.Gln538fs)

Gene: BRCA1 (BRCA1 DNA repair associated; minus strand). Cytogenetic location: 17q21.31.
Variant type: Deletion.
Coding change: c.1612_1616del on transcript NM_007294.4 (MANE Select); coding-DNA positions 1612 to 1616, 5 bases deleted (CAAAC; older notation c.1612_1616delCAAAC).
Protein change: p.Gln538fs; shifts the reading frame from glutamine 538.
Molecular consequence: frameshift variant. On other transcripts: intron variant (137).
Genome position (GRCh38, 1-based): chr17:43,093,915-43,093,919, GTTTG deleted on the plus strand (CAAAC on the coding strand, the reverse complement: BRCA1 is on the minus strand); deleting any 5 consecutive bases within chr17:43,093,915-43,093,922 gives the same sequence; the c. name uses the placement nearest the transcript's 3' end. VCF-style (leftmost placement, unchanged base first): chr17-43093914-CGTTTG-C. GRCh37 (hg19) VCF-style: chr17-41245931-CGTTTG-C.
Other names: 1731del5; c.1612_1616delCAAAC (NM_007294.3); c.577+825_577+829del (NM_001408483.1, NM_001408481.1, NM_001408480.1 and 9 more transcripts); c.664+825_664+829del (NM_001408442.1, NM_001408426.1, NM_001408436.1 and 12 more transcripts); c.787+825_787+829del (NM_001407982.1, NM_001407970.1, NM_001407980.1 and 19 more transcripts); c.1399_1403del, p.Gln467fs (NM_001407571.1, NM_001407853.1, NM_001407894.1 and 9 more transcripts); c.1612_1616del, p.Gln538fs (NM_001407581.1, NM_001407582.1, NM_001407583.1 and 30 more transcripts); c.1609_1613del, p.Gln537fs (NM_001407587.1, NM_001407590.1, NM_001407591.1 and 22 more transcripts); and 42 more; short protein forms Q491fs, Q538fs, Q411fs, Q467fs, Q468fs, Q471fs, Q242fs, Q370fs.
Identifiers: ClinVar variation 156184 (VCV000156184.26), dbSNP rs587776480, ClinGen allele CA001072.

ClinVar aggregate classification (germline): Pathogenic. Review status: reviewed by expert panel (3 of 4 stars). 7 submissions from 7 submitters: Pathogenic (1). 6 of the submissions do not count toward it. Last evaluated 2016-09-08.

Conditions:
Fanconi anemia, complementation group S (FANCS). Identifiers: MedGen C4554406, MONDO:0054748, OMIM 617883.
Hereditary cancer-predisposing syndrome. Also called: Tumor predisposition; Hereditary neoplastic syndrome; Hereditary Cancer Syndrome; Neoplastic Syndromes, Hereditary. Identifiers: Orphanet 140162, MedGen C0027672, MeSH D009386, MONDO:0015356.
Hereditary breast ovarian cancer syndrome. Also called: Hereditary breast and/or ovarian cancer syndrome; Breast and ovarian cancer; Hereditary breast and ovarian cancer syndrome; Hereditary breast and ovarian cancer; Hereditary breast and ovarian cancer syndrome (HBOC); BRCA1- and BRCA2-Associated Hereditary Breast and Ovarian Cancer. Identifiers: Orphanet 145, MedGen C0677776, MeSH D061325, MONDO:0003582. Disease mechanism: loss of function.
Breast-ovarian cancer, familial, susceptibility to, 1 (BROVCA1). Also called: BRCA1 Hereditary Breast and Ovarian Cancer; OVARIAN CANCER, SUSCEPTIBILITY TO. Identifiers: Orphanet 145, MedGen C2676676, MONDO:0011450, OMIM 604370. Disease mechanism: loss of function.

Submissions (7):

Evidence-based Network for the Interpretation of Germline Mutant Alleles (ENIGMA)
Classification: Pathogenic for Breast-ovarian cancer, familial, susceptibility to, 1. Last evaluated: 2016-09-08. Review status: reviewed by expert panel. Criteria: ENIGMA BRCA1/2 Classification Criteria (2015). Collection method: curation. Allele origin: germline.
Comment: Variant allele predicted to encode a truncated non-functional protein.

Department of Pathology and Laboratory Medicine, Sinai Health System
Classification: Pathogenic for Fanconi anemia, complementation group S. Last evaluated: 2024-05-10. Review status: criteria provided, single submitter. Criteria: ACMG Guidelines, 2015. Collection method: clinical testing. Allele origin: germline. Affected: no. Not counted in ClinVar's aggregate classification.

Color Diagnostics, LLC DBA Color Health
Classification: Pathogenic for Hereditary cancer-predisposing syndrome. Last evaluated: 2024-02-20. Review status: criteria provided, single submitter. Criteria: ACMG Guidelines, 2015. Collection method: clinical testing. Allele origin: germline. Not counted in ClinVar's aggregate classification.
Comment: This variant deletes 5 nucleotides in exon 10 of the BRCA1 gene, creating a frameshift and premature translation stop signal. This variant is expected to result in an absent or non-functional protein product. This variant has been reported in at least two individuals affected with ovarian cancer (PMID: 30040829, 32772980). This variant has not been identified in the general population by the Genome Aggregation Database (gnomAD). Loss of BRCA1 function is a known mechanism of disease. Based on the available evidence, this variant is classified as Pathogenic.

Labcorp Genetics (formerly Invitae), Labcorp
Classification: Pathogenic for Hereditary breast ovarian cancer syndrome. Last evaluated: 2020-01-30. Review status: criteria provided, single submitter. Criteria: Invitae Variant Classification Sherloc (09022015). Collection method: clinical testing. Allele origin: germline. Not counted in ClinVar's aggregate classification.
Comment: For these reasons, this variant has been classified as Pathogenic. This sequence change creates a premature translational stop signal (p.Gln538Glyfs*11) in the BRCA1 gene. It is expected to result in an absent or disrupted protein product. This variant is not present in population databases (ExAC no frequency). This variant has been reported in individuals in the Leiden Open-source Variation Database (PMID: 21520333). ClinVar contains an entry for this variant (Variation ID: 156184). Loss-of-function variants in BRCA1 are known to be pathogenic (PMID: 20104584).

Ambry Genetics
Classification: Pathogenic for Hereditary cancer-predisposing syndrome. Last evaluated: 2017-06-23. Review status: criteria provided, single submitter. Criteria: Ambry Variant Classification Scheme 2023. Collection method: clinical testing. Allele origin: germline. Not counted in ClinVar's aggregate classification.
Comment: The c.1612_1616delCAAAC pathogenic mutation, located in coding exon 9 of the BRCA1 gene, results from a deletion of 5 nucleotides at nucleotide positions 1612 to 1616, causing a translational frameshift with a predicted alternate stop codon (p.Q538Gfs*11). This alteration is expected to result in loss of function by premature protein truncation or nonsense-mediated mRNA decay. As such, this alteration is interpreted as a disease-causing mutation.

Research Molecular Genetics Laboratory, Women's College Hospital, University of Toronto
Classification: Pathogenic for Hereditary breast ovarian cancer syndrome. Last evaluated: 2014-01-31. Review status: no assertion criteria provided. Collection method: research. Allele origin: germline. Affected: yes. Study: The Canadian Open Genetics Repository (COGR). Not counted in ClinVar's aggregate classification.

Sharing Clinical Reports Project (SCRP)
Classification: Pathogenic for Breast-ovarian cancer, familial 1. Last evaluated: 2011-03-14. Review status: no assertion criteria provided. Collection method: clinical testing. Allele origin: germline. Not counted in ClinVar's aggregate classification.

Literature cited by the submitters: PubMed 30040829 (cited by Color Diagnostics, LLC DBA Color Health); PubMed 32772980 (cited by Color Diagnostics, LLC DBA Color Health); PubMed 21520333 (cited by Labcorp Genetics (formerly Invitae), Labcorp); PubMed 20104584 (cited by Labcorp Genetics (formerly Invitae), Labcorp).